The following is an entry in ClinVar:

ClinVar aggregate classification (germline): Pathogenic/Likely pathogenic. Review status: criteria provided, multiple submitters, no conflicts (2 of 4 stars). 5 submissions from 5 submitters: Pathogenic (3); Likely pathogenic (1). 1 of the submissions does not count toward it. Last evaluated 2025-06-25.

Conditions:
Hereditary cancer-predisposing syndrome. Also called: Hereditary neoplastic syndrome; Tumor predisposition; Neoplastic Syndromes, Hereditary; Hereditary Cancer Syndrome. Identifiers: Orphanet 140162, MedGen C0027672, MeSH D009386, MONDO:0015356.
Cardiovascular phenotype. Identifiers: MedGen CN230736.
Neurofibromatosis, type 1 (NF1). Also called: Neurofibromatosis, type I; NEUROFIBROMATOSIS, TYPE I, SOMATIC; Peripheral type neurofibromatosis; VON RECKLINGHAUSEN DISEASE. Identifiers: Orphanet 636, MedGen C0027831, MONDO:0018975, OMIM 162200. Disease mechanism: loss of function.

Submissions (5):

Ambry Genetics
Classification: Likely pathogenic for Cardiovascular phenotype; Hereditary cancer-predisposing syndrome. Last evaluated: 2025-06-25. Review status: criteria provided, single submitter. Criteria: Ambry Variant Classification Scheme 2023. Collection method: clinical testing. Allele origin: germline.
Comment: The c.888+1G>C intronic variant results from a G to C substitution one nucleotide after coding exon 8 of the NF1 gene. This variant was reported in individual(s) with features consistent with neurofibromatosis type 1 (NF1) (Bonatti F et al. Int J Mol Sci, 2017 Sep;18:; Hazan F et al. Neurol Sci, 2021 May;42:2045-2057).This variant is considered to be rare based on population cohorts in the Genome Aggregation Database (gnomAD). This nucleotide position is highly conserved in available vertebrate species. In silico splice site analysis predicts that this alteration will weaken the native splice donor site. In addition to the clinical data presented in the literature, alterations that disrupt the canonical splice site are expected to cause aberrant splicing, resulting in an abnormal protein or a transcript that is subject to nonsense-mediated mRNA decay. As such, this alteration is classified as likely pathogenic.

Labcorp Genetics (formerly Invitae), Labcorp
Classification: Pathogenic for Neurofibromatosis, type 1. Last evaluated: 2024-10-29. Review status: criteria provided, single submitter. Criteria: Invitae Variant Classification Sherloc (09022015). Collection method: clinical testing. Allele origin: germline.
Comment: This sequence change affects a donor splice site in intron 8 of the NF1 gene. It is expected to disrupt RNA splicing. Variants that disrupt the donor or acceptor splice site typically lead to a loss of protein function (PMID: 16199547), and loss-of-function variants in NF1 are known to be pathogenic (PMID: 10712197, 23913538). This variant is not present in population databases (gnomAD no frequency). Disruption of this splice site has been observed in individuals with neurofibromatosis type 1 (PMID: 10712197, 28961165). ClinVar contains an entry for this variant (Variation ID: 431573). Algorithms developed to predict the effect of sequence changes on RNA splicing suggest that this variant may disrupt the consensus splice site. For these reasons, this variant has been classified as Pathogenic.

Genome-Nilou Lab
Classification: Pathogenic for Neurofibromatosis, type 1. Last evaluated: 2022-03-15. Review status: criteria provided, single submitter. Criteria: ACMG Guidelines, 2015. Collection method: clinical testing. Allele origin: germline. Affected: no.

Genome Diagnostics Laboratory, The Hospital for Sick Children
Classification: Pathogenic for Neurofibromatosis, type 1. Last evaluated: 2020-10-26. Review status: criteria provided, single submitter. Criteria: ACMG Guidelines, 2015. Collection method: clinical testing. Allele origin: germline. Affected: yes.

Medical Genetics, University of Parma
Classification: Likely pathogenic for Neurofibromatosis type 1. Last evaluated: 2017-02-02. Review status: no assertion criteria provided. Collection method: clinical testing. Allele origin: germline. Affected: yes. Not counted in ClinVar's aggregate classification.

Literature cited by the submitters: PubMed 28961165 (cited by Ambry Genetics and Labcorp Genetics (formerly Invitae), Labcorp); PubMed 33443663 (cited by Ambry Genetics); PubMed 16199547 (cited by Labcorp Genetics (formerly Invitae), Labcorp); PubMed 10712197 (cited by Labcorp Genetics (formerly Invitae), Labcorp); PubMed 23913538 (cited by Labcorp Genetics (formerly Invitae), Labcorp).

NM_001042492.3(NF1):c.888+1G>C

Gene: NF1 (neurofibromin 1; plus strand). Cytogenetic location: 17q11.2.
Variant type: single nucleotide variant.
Coding change: c.888+1G>C on transcript NM_001042492.3 (MANE Select); the canonical splice donor site of the intron after coding-DNA position 888, G replaced by C.
Molecular consequence: splice donor variant.
Genome position (GRCh38, 1-based): chr17:31,182,666, G>C. VCF-style: chr17-31182666-G-C. GRCh37 (hg19) VCF-style: chr17-29509684-G-C.
Other names: c.888+1G>C (NM_000267.4, NM_001128147.3).
Identifiers: ClinVar variation 431573 (VCV000431573.13), dbSNP rs1135402799, ClinGen allele CA398991319.